The following is an entry in ClinVar:

NM_000391.4(TPP1):c.497A>T (p.His166Leu)

Gene: TPP1 (tripeptidyl peptidase 1; minus strand). Cytogenetic location: 11p15.4.
Variant type: single nucleotide variant.
Coding change: c.497A>T on transcript NM_000391.4 (MANE Select); coding-DNA position 497, A replaced by T.
Protein change: p.His166Leu; replaces histidine 166 with leucine.
Molecular consequence: missense variant.
Genome position (GRCh38, 1-based): chr11:6,617,312, T>A on the plus strand (A>T on the coding strand, the complement: TPP1 is on the minus strand). VCF-style: chr11-6617312-T-A. GRCh37 (hg19) VCF-style: chr11-6638543-T-A.
Other names: short protein forms H166L.
Identifiers: ClinVar variation 207573 (VCV000207573.10), dbSNP rs796053437, ClinGen allele CA319173.

ClinVar aggregate classification (germline): Uncertain significance. Review status: criteria provided, multiple submitters, no conflicts (2 of 4 stars). 3 submissions from 3 submitters: Uncertain significance (2). 1 of the submissions does not count toward it. Last evaluated 2025-02-24.

Conditions:
Inborn genetic diseases. Identifiers: MedGen C0950123, MeSH D030342.
Neuronal ceroid lipofuscinosis 2. Also called: JANSKY-BIELSCHOWSKY DISEASE NEURONAL CEROID LIPOFUSCINOSIS, LATE INFANTILE; TPP1-Related Neuronal Ceroid-Lipofuscinosis. Identifiers: Orphanet 168491, Orphanet 228349, Orphanet 79264, MedGen C1876161, MONDO:0008769, OMIM 204500.

Allele frequency attached by ClinVar (database versions not stated): gnomAD exomes below 0.00001.
gnomAD v4.1: 5 of 1,613,970 alleles (0.00031%); highest among the groups gnomAD compares: East Asian, 0.0022%; no homozygotes.

Submissions (3):

Labcorp Genetics (formerly Invitae), Labcorp
Classification: Uncertain significance. Last evaluated: 2025-02-24. Review status: criteria provided, single submitter. Criteria: Invitae Variant Classification Sherloc (09022015). Collection method: clinical testing. Allele origin: germline.
Comment: This sequence change replaces histidine, which is basic and polar, with leucine, which is neutral and non-polar, at codon 166 of the TPP1 protein (p.His166Leu). This variant is not present in population databases (gnomAD no frequency). This variant has not been reported in the literature in individuals affected with TPP1-related conditions. ClinVar contains an entry for this variant (Variation ID: 207573). Invitae Evidence Modeling of protein sequence and biophysical properties (such as structural, functional, and spatial information, amino acid conservation, physicochemical variation, residue mobility, and thermodynamic stability) indicates that this missense variant is expected to disrupt TPP1 protein function with a positive predictive value of 95%. In summary, the available evidence is currently insufficient to determine the role of this variant in disease. Therefore, it has been classified as a Variant of Uncertain Significance.

Ambry Genetics
Classification: Uncertain significance for Inborn genetic diseases. Last evaluated: 2022-01-19. Review status: criteria provided, single submitter. Criteria: Ambry Variant Classification Scheme 2023. Collection method: clinical testing. Allele origin: germline.

Natera, Inc.
Classification: Uncertain significance for Neuronal ceroid lipofuscinosis 2. Last evaluated: 2020-09-16. Review status: no assertion criteria provided. Collection method: clinical testing. Allele origin: germline. Not counted in ClinVar's aggregate classification.